The following is an entry in ClinVar:

ClinVar aggregate classification (germline): Conflicting classifications of pathogenicity. Review status: criteria provided, conflicting classifications (1 of 4 stars). 13 submissions from 13 submitters: Uncertain significance (10); Likely benign (2). 1 of the submissions does not count toward it. Last evaluated 2025-12-10.

Conditions:
Classic or attenuated familial adenomatous polyposis. Identifiers: MedGen CN372698, MONDO:0021057.
APC-related disorder. Also called: APC-related condition.
APC-Associated Polyposis Disorders.
Hereditary cancer-predisposing syndrome. Also called: Neoplastic Syndromes, Hereditary; Tumor predisposition; Hereditary neoplastic syndrome; Hereditary Cancer Syndrome. Identifiers: Orphanet 140162, MedGen C0027672, MeSH D009386, MONDO:0015356.
Familial adenomatous polyposis 1 (FAP1). Also called: FAMILIAL ADENOMATOUS POLYPOSIS 1, ATTENUATED; POLYPOSIS, ADENOMATOUS INTESTINAL. Identifiers: MedGen C2713442, MONDO:0021056, OMIM 175100. Disease mechanism: loss of function.

Allele frequency attached by ClinVar (database versions not stated): gnomAD exomes below 0.00001; ExAC 0.00001; gnomAD 0.00006; ESP Exome Variant Server 0.00008; TOPMed 0.00009.
gnomAD v4.1: 15 of 1,614,046 alleles (0.00093%); highest among the groups gnomAD compares: African/African-American, 0.017%; no homozygotes.

Submissions (13):

Labcorp Genetics (formerly Invitae), Labcorp
Classification: Uncertain significance for Familial adenomatous polyposis 1. Last evaluated: 2025-12-10. Review status: criteria provided, single submitter. Criteria: Invitae Variant Classification Sherloc (09022015). Collection method: clinical testing. Allele origin: germline.
Comment: This sequence change replaces valine, which is neutral and non-polar, with isoleucine, which is neutral and non-polar, at codon 704 of the APC protein (p.Val704Ile). This variant is present in population databases (rs367804502, gnomAD 0.02%). This missense change has been observed in individual(s) with breast cancer (PMID: 35264596). ClinVar contains an entry for this variant (Variation ID: 185391). Invitae Evidence Modeling of protein sequence and biophysical properties (such as structural, functional, and spatial information, amino acid conservation, physicochemical variation, residue mobility, and thermodynamic stability) indicates that this missense variant is not expected to disrupt APC protein function with a negative predictive value of 95%. In summary, the available evidence is currently insufficient to determine the role of this variant in disease. Therefore, it has been classified as a Variant of Uncertain Significance.

Women's Health and Genetics/Laboratory Corporation of America, LabCorp
Classification: Likely benign. Last evaluated: 2025-03-24. Review status: criteria provided, single submitter. Criteria: LabCorp Variant Classification Summary - May 2015. Collection method: clinical testing. Allele origin: germline.
Comment: Variant summary: APC c.2110G>A (p.Val704Ile) results in a conservative amino acid change in the encoded protein sequence. Three of five in-silico tools predict a benign effect of the variant on protein function. The variant allele was found at a frequency of 9.3e-06 in 1614046 control chromosomes, predominantly at a frequency of 0.00017 within the African or African-American subpopulation in the gnomAD database. The observed variant frequency within African or African-American control individuals in the gnomAD database is approximately 2.38 fold of the estimated maximal expected allele frequency for a pathogenic variant in APC causing Familial Adenomatous Polyposis phenotype (7.1e-05). To our knowledge, no occurrence of c.2110G>A in individuals affected with Familial Adenomatous Polyposis and no experimental evidence demonstrating its impact on protein function have been reported. ClinVar contains an entry for this variant (Variation ID: 185391). Based on the evidence outlined above, the variant was classified as likely benign.

PreventionGenetics, part of Exact Sciences
Classification: Uncertain significance for APC-related condition. Last evaluated: 2025-02-14. Review status: criteria provided, single submitter. Criteria: ACMG Guidelines, 2015. Collection method: clinical testing. Allele origin: germline.
Comment: The APC c.2110G>A variant is predicted to result in the amino acid substitution p.Val704Ile. This variant was reported as uncertain in an individual with breast cancer (Supplementary Table 3, Guindalini et al. 2022. PubMed ID: 35264596). This variant is reported in 0.012% of alleles in individuals of African descent in gnomAD and has conflicting interpretations regarding its pathogenicity in ClinVar, ranging from likely benign to uncertain. At this time, the clinical significance of this variant is uncertain due to the absence of conclusive functional and genetic evidence.

All of Us Research Program, National Institutes of Health
Classification: Uncertain significance for Classic or attenuated familial adenomatous polyposis. Last evaluated: 2024-03-05. Review status: criteria provided, single submitter. Criteria: ACMG Guidelines, 2015. Collection method: clinical testing. Allele origin: germline. Inheritance: Autosomal dominant inheritance. Observed: 3 variant alleles, 3 heterozygotes.
Comment: This missense variant replaces valine with isoleucine at codon 704 of the APC protein. Computational prediction suggests that this variant may not impact protein structure and function (internally defined REVEL score threshold <= 0.5, PMID: 27666373). Splice site prediction tools suggest that this variant may not impact RNA splicing. To our knowledge, functional studies have not been performed for this variant. This variant has not been reported in individuals affected with hereditary cancer in the literature. This variant has been identified in 4/282154 chromosomes in the general population by the Genome Aggregation Database (gnomAD). The available evidence is insufficient to determine the role of this variant in disease conclusively. Therefore, this variant is classified as a Variant of Uncertain Significance.

This study involves interpretation of variants in research participants for the purpose of population health screening. Participant phenotype was not available at the time of variant classification. Additional details can be found in publication PMID: 35346344, PMCID: PMC8962531

Baylor Genetics
Classification: Uncertain significance for Familial adenomatous polyposis 1. Last evaluated: 2024-02-13. Review status: criteria provided, single submitter. Criteria: ACMG Guidelines, 2015. Collection method: clinical testing. Allele origin: unknown.

Color Diagnostics, LLC DBA Color Health
Classification: Uncertain significance for Hereditary cancer-predisposing syndrome. Last evaluated: 2023-10-12. Review status: criteria provided, single submitter. Criteria: ACMG Guidelines, 2015. Collection method: clinical testing. Allele origin: germline.
Comment: This missense variant replaces valine with isoleucine at codon 704 of the APC protein. Computational prediction suggests that this variant may not impact protein structure and function (internally defined REVEL score threshold <= 0.5, PMID: 27666373). To our knowledge, functional studies have not been reported for this variant. This variant has not been reported in individuals affected with APC-related disorders in the literature. This variant has been identified in 4/282154 chromosomes in the general population by the Genome Aggregation Database (gnomAD). The available evidence is insufficient to determine the role of this variant in disease conclusively. Therefore, this variant is classified as a Variant of Uncertain Significance.

Quest Diagnostics Nichols Institute San Juan Capistrano
Classification: Uncertain significance. Last evaluated: 2023-05-11. Review status: criteria provided, single submitter. Criteria: Quest Diagnostics criteria. Collection method: clinical testing. Allele origin: unknown.
Comment: The frequency of this variant in the general population, 0.00012 (3/24930 chromosomes in African/African American subpopulation), is higher than would generally be expected for pathogenic variants in this gene. In the published literature, this variant has been reported in an individual with breast cancer (PMID: 35264596 (2022)). Analysis of this variant using bioinformatics tools for the prediction of the effect of amino acid changes on protein structure and function yielded conflicting predictions that this variant is benign or damaging. Based on the available information, we are unable to determine the clinical significance of this variant.

Ambry Genetics
Classification: Likely benign for Hereditary cancer-predisposing syndrome. Last evaluated: 2023-03-15. Review status: criteria provided, single submitter. Criteria: Ambry Variant Classification Scheme 2023. Collection method: clinical testing. Allele origin: germline.

Myriad Genetics, Inc.
Classification: Uncertain significance for Familial adenomatous polyposis 1. Last evaluated: 2023-02-16. Review status: criteria provided, single submitter. Criteria: Myriad Autosomal Dominant, Autosomal Recessive and X-Linked Classification Criteria (2023). Collection method: clinical testing. Allele origin: unknown.
Comment: This variant is classified as a variant of uncertain significance as there is insufficient evidence to determine its impact on protein function and/or cancer risk.

GeneDx
Classification: Uncertain significance. Last evaluated: 2022-08-09. Review status: criteria provided, single submitter. Criteria: GeneDx Variant Classification Process June 2021. Collection method: clinical testing. Allele origin: germline. Affected: yes.
Comment: Not observed at significant frequency in large population cohorts (gnomAD); In silico analysis supports that this missense variant does not alter protein structure/function; Has not been previously published as pathogenic or benign to our knowledge; This variant is associated with the following publications: (PMID: 18199528)

Mendelics
Classification: Uncertain significance for Familial adenomatous polyposis 1. Last evaluated: 2018-07-02. Review status: criteria provided, single submitter. Criteria: Mendelics Assertion Criteria 2017. Collection method: clinical testing. Allele origin: unknown.

Illumina Laboratory Services, Illumina
Classification: Uncertain significance for APC-Associated Polyposis Disorders. Last evaluated: 2018-01-13. Review status: criteria provided, single submitter. Criteria: ICSL Variant Classification Criteria 13 December 2019. Collection method: clinical testing. Allele origin: germline.

Counsyl
Classification: Uncertain significance for Familial adenomatous polyposis 1. Last evaluated: 2017-06-02. Review status: no assertion criteria provided. Collection method: clinical testing. Allele origin: unknown. Not counted in ClinVar's aggregate classification.

Literature cited by the submitters: PubMed 35264596 (cited by Labcorp Genetics (formerly Invitae), Labcorp and Quest Diagnostics Nichols Institute San Juan Capistrano).

NM_000038.6(APC):c.2110G>A (p.Val704Ile)

Gene: APC (APC regulator of Wnt signaling pathway; plus strand). Cytogenetic location: 5q22.2.
Variant type: single nucleotide variant.
Coding change: c.2110G>A on transcript NM_000038.6 (MANE Select); coding-DNA position 2110, G replaced by A.
Protein change: p.Val704Ile; replaces valine 704 with isoleucine.
Molecular consequence: missense variant.
Genome position (GRCh38, 1-based): chr5:112,837,704, G>A. VCF-style: chr5-112837704-G-A. GRCh37 (hg19) VCF-style: chr5-112173401-G-A.
Other names: c.2110G>A, p.Val704Ile (NM_001127510.3, NM_001354895.2); c.2056G>A, p.Val686Ile (NM_001127511.3); c.2164G>A, p.Val722Ile (NM_001354896.2); c.2140G>A, p.Val714Ile (NM_001354897.2); c.2035G>A, p.Val679Ile (NM_001354898.2); c.2026G>A, p.Val676Ile (NM_001354899.2); c.1987G>A, p.Val663Ile (NM_001354900.2); c.1933G>A, p.Val645Ile (NM_001354901.2); and 5 more; short protein forms V686I, V704I, V544I, V613I, V578I, V603I, V645I, V714I.
Identifiers: ClinVar variation 185391 (VCV000185391.38), dbSNP rs367804502, ClinGen allele CA007204.
Genomic context (GRCh38, chr5:112,837,704, plus strand): 5'-TTGTGGAATCTCTCAGCAAGAAATCCTAAAGACCAGGAAGCATTATGGGACATGGGGGCA[G>A]TTAGCATGCTCAAGAACCTCATTCATTCAAAGCACAAAATGATTGCTATGGGAAGTGCTG-3'
Protein context (NP_000029.2, residues 694-714): DQEALWDMGA[Val704Ile]SMLKNLIHSK